The following is an entry in ClinVar:

NM_181523.3(PIK3R1):c.334+12973A>C

Gene: PIK3R1 (phosphoinositide-3-kinase regulatory subunit 1; plus strand). Cytogenetic location: 5q13.1.
Variant type: single nucleotide variant.
Coding change: c.334+12973A>C on transcript NM_181523.3 (MANE Select); 12973 bases into the intron after coding-DNA position 334, A replaced by C.
Molecular consequence: intron variant.
Genome position (GRCh38, 1-based): chr5:68,239,982, A>C. VCF-style: chr5-68239982-A-C. GRCh37 (hg19) VCF-style: chr5-67535810-A-C.
Identifiers: ClinVar variation 2628263 (VCV002628263.2), dbSNP rs72757662, ClinGen allele CA3289991.

ClinVar aggregate classification (germline): Benign (1 of 4 stars; one submission).

Allele frequency attached by ClinVar (database versions not stated): ExAC 0.03404; gnomAD exomes 0.04941; gnomAD 0.09761; TOPMed 0.11599; 1000 Genomes Project 0.13259; 1000 Genomes Project 30x 0.13648.
gnomAD v4.1: 31,199 of 483,574 alleles (6.5%); highest among the groups gnomAD compares: African/African-American, 23%; 2,380 homozygotes.

Submission:

Unidad de Genómica Garrahan, Hospital de Pediatría Garrahan
Classification: Benign. Last evaluated: 2023-11-12. Review status: criteria provided, single submitter. Criteria: ACMG Guidelines, 2015. Collection method: clinical testing. Allele origin: germline. Affected: no. Observed: 24 variant alleles.
Comment: This variant is classified as Benign based on local population frequency. This variant was detected in 25% of patients studied by a panel of primary immunodeficiencies. Number of patients: 24. Only high quality variants are reported.